The following is an entry in ClinVar:

NM_001005361.3(DNM2):c.2365C>G (p.Pro789Ala)

Gene: DNM2 (dynamin 2; plus strand). Cytogenetic location: 19p13.2.
Variant type: single nucleotide variant.
Coding change: c.2365C>G on transcript NM_001005361.3 (MANE Select); coding-DNA position 2365, C replaced by G.
Protein change: p.Pro789Ala; replaces proline 789 with alanine.
Molecular consequence: missense variant.
Genome position (GRCh38, 1-based): chr19:10,830,200, C>G. VCF-style: chr19-10830200-C-G. GRCh37 (hg19) VCF-style: chr19-10940876-C-G.
Other names: c.2365C>G, p.Pro789Ala (NM_001005360.3, NM_001190716.2); c.2353C>G, p.Pro785Ala (NM_001005362.3, NM_004945.4); short protein forms P789A, P785A.
Identifiers: ClinVar variation 234789 (VCV000234789.6), dbSNP rs876661218, ClinGen allele CA10577589.

ClinVar aggregate classification (germline): Uncertain significance. Review status: criteria provided, multiple submitters, no conflicts (2 of 4 stars). 3 submissions from 3 submitters: Uncertain significance (3). Last evaluated 2024-07-16.

Conditions:
Inborn genetic diseases. Identifiers: MedGen C0950123, MeSH D030342.
Charcot-Marie-Tooth disease dominant intermediate B (CMTDIB). Also called: CHARCOT-MARIE-TOOTH NEUROPATHY, DOMINANT INTERMEDIATE B; Charcot-Marie-Tooth disease dominant intermediate 1; CMT DI1; Charcot-Marie-Tooth disease dominant intermediate I. Identifiers: Orphanet 100044, Orphanet 228179, MedGen C1847902, MONDO:0011674, OMIM 606482.

gnomAD v4.1: 4 of 1,613,506 alleles (0.00025%); highest among the groups gnomAD compares: Non-Finnish European, 0.00034%; no homozygotes.

Submissions (3):

Labcorp Genetics (formerly Invitae), Labcorp
Classification: Uncertain significance for Charcot-Marie-Tooth disease dominant intermediate B. Last evaluated: 2024-07-16. Review status: criteria provided, single submitter. Criteria: Invitae Variant Classification Sherloc (09022015). Collection method: clinical testing. Allele origin: germline.
Comment: This sequence change replaces proline, which is neutral and non-polar, with alanine, which is neutral and non-polar, at codon 789 of the DNM2 protein (p.Pro789Ala). This variant is not present in population databases (gnomAD no frequency). This variant has not been reported in the literature in individuals affected with DNM2-related conditions. ClinVar contains an entry for this variant (Variation ID: 234789). Advanced modeling of protein sequence and biophysical properties (such as structural, functional, and spatial information, amino acid conservation, physicochemical variation, residue mobility, and thermodynamic stability) has been performed at Invitae for this missense variant, however the output from this modeling did not meet the statistical confidence thresholds required to predict the impact of this variant on DNM2 protein function. In summary, the available evidence is currently insufficient to determine the role of this variant in disease. Therefore, it has been classified as a Variant of Uncertain Significance.

Ambry Genetics
Classification: Uncertain significance for Inborn genetic diseases. Last evaluated: 2021-06-16. Review status: criteria provided, single submitter. Criteria: Ambry Variant Classification Scheme 2023. Collection method: clinical testing. Allele origin: germline.
Comment: The p.P789A variant (also known as c.2365C>G), located in coding exon 20 of the DNM2 gene, results from a C to G substitution at nucleotide position 2365. The proline at codon 789 is replaced by alanine, an amino acid with highly similar properties. This amino acid position is highly conserved in available vertebrate species. In addition, the in silico prediction for this alteration is inconclusive. Since supporting evidence is limited at this time, the clinical significance of this alteration remains unclear.

GeneDx
Classification: Uncertain significance. Last evaluated: 2016-01-21. Review status: criteria provided, single submitter. Criteria: GeneDx Variant Classification (06012015). Collection method: clinical testing. Allele origin: germline. Affected: yes.
Comment: The P789A variant has not been published as a pathogenic variant, nor has it been reported as a benign variant to our knowledge. It was not observed in approximately 6,500 individuals of European and African American ancestry in the NHLBI Exome Sequencing Project, indicating it is not a common benign variant in these populations. The P789A variant is a semi-conservative amino acid substitution, which may impact secondary protein structure as these residues differ in some properties. This substitution occurs at a position that is conserved across species. However, missense variants in nearby residues have not been reported in the Human Gene Mutation Database in association with DNM2-related disorders (Stenson et al., 2014). In silico analysis is inconsistent in its predictions as to whether or not the variant is damaging to the protein structure/function. Therefore, based on the currently available information, it is unclear whether this variant is a pathogenic variant or a rare benign variant.